The following is an entry in ClinVar:

NM_001267550.2(TTN):c.102105T>A (p.Asp34035Glu)

Genes: TTN (titin; minus strand), TTN-AS1 (TTN antisense RNA 1; plus strand). Cytogenetic location: 2q31.2.
Variant type: single nucleotide variant.
Coding change: c.102105T>A on transcript NM_001267550.2 (MANE Select); coding-DNA position 102105, T replaced by A.
Protein change: p.Asp34035Glu; replaces aspartic acid 34035 with glutamic acid.
Molecular consequence: missense variant.
Genome position (GRCh38, 1-based): chr2:178,534,510, A>T on the plus strand (T>A on the coding strand, the complement: TTN is on the minus strand). VCF-style: chr2-178534510-A-T. GRCh37 (hg19) VCF-style: chr2-179399237-A-T.
Other names: c.97182T>A, p.Asp32394Glu (NM_001256850.1); c.74910T>A, p.Asp24970Glu (NM_003319.4); c.94401T>A, p.Asp31467Glu (NM_133378.4); c.75285T>A, p.Asp25095Glu (NM_133432.3); c.75486T>A, p.Asp25162Glu (NM_133437.4); c.102105T>A (NM_001267550.1); short protein forms D34035E, D25095E, D24970E, D25162E, D31467E, D32394E.
Identifiers: ClinVar variation 404785 (VCV000404785.6), dbSNP rs370647845, ClinGen allele CA1985810.
Genomic context (GRCh38, chr2:178,534,510, plus strand): 5'-CACTAACAACCGGTCAACAAAATCCATGGCTTCAATGCTAATCTCTTTGAATGCTTCCTC[A>T]TCGAAAGTATATTCAGCATTCATGATATTCTCAATGATCTGTTGGTTAGTTTCAGCCAGG-3'
Protein context (NP_001254479.2, residues 34025-34045): ENIMNAEYTF[Asp34035Glu]EEAFKEISIE

ClinVar aggregate classification (germline): Uncertain significance. Review status: criteria provided, multiple submitters, no conflicts (2 of 4 stars). 4 submissions from 4 submitters: Uncertain significance (4). Last evaluated 2025-11-12.

Conditions:
Autosomal recessive limb-girdle muscular dystrophy type 2J (LGMDR10). Also called: MUSCULAR DYSTROPHY, LIMB-GIRDLE, AUTOSOMAL RECESSIVE 10; Limb-girdle muscular dystrophy, type 2J. Identifiers: Orphanet 140922, MedGen C1837342, MONDO:0012127, OMIM 608807.
Dilated cardiomyopathy 1G (CMD1G). Identifiers: Orphanet 154, MedGen C1858763, MONDO:0011400, OMIM 604145.
Myopathy, myofibrillar, 9, with early respiratory failure (MFM9). Also called: Myopathy, distal, with early respiratory failure, autosomal dominant; Hereditary myopathy with early respiratory failure; EDSTROM MYOPATHY; MYOPATHY, PROXIMAL, WITH EARLY RESPIRATORY MUSCLE INVOLVEMENT. Identifiers: Orphanet 178464, Orphanet 34521, MedGen C1863599, MONDO:0011362, OMIM 603689.
Tibial muscular dystrophy (TMD). Also called: UDD MYOPATHY; Tibial muscular dystrophy, tardive; Udd Distal Myopathy – Tibial Muscular Dystrophy. Identifiers: Orphanet 609, MedGen C1838244, MONDO:0010870, OMIM 600334.
Early-onset myopathy with fatal cardiomyopathy (CMYO5). Also called: Salih Myopathy; CONGENITAL MYOPATHY 5 WITH CARDIOMYOPATHY. Identifiers: Orphanet 289377, MedGen C2673677, MONDO:0012714, OMIM 611705. Disease mechanism: loss of function.
Hypertrophic cardiomyopathy 9. Also called: Familial hypertrophic cardiomyopathy 9. Identifiers: MedGen C1861065, MONDO:0013412, OMIM 613765.

Allele frequency attached by ClinVar (database versions not stated): ExAC 0.00002; ESP Exome Variant Server 0.00008; TOPMed 0.00002; gnomAD 0.00003.
gnomAD v4.1: 26 of 1,613,686 alleles (0.0016%); highest among the groups gnomAD compares: Non-Finnish European, 0.0022%; no homozygotes.

Submissions (4):

Women's Health and Genetics/Laboratory Corporation of America, LabCorp
Classification: Uncertain significance. Last evaluated: 2025-11-12. Review status: criteria provided, single submitter. Criteria: LabCorp Variant Classification Summary - May 2015. Collection method: clinical testing. Allele origin: germline.

GeneDx
Classification: Uncertain significance. Last evaluated: 2024-11-18. Review status: criteria provided, single submitter. Criteria: GeneDx Variant Classification Process June 2021. Collection method: clinical testing. Allele origin: germline. Affected: yes.
Comment: Reported previously in a healthy control patient and not see in the cohort of patients with dilated cardiomyopathy (PMID: 31983221); Missense variant in a gene in which most reported pathogenic variants are truncating/loss of function; Not observed at significant frequency in large population cohorts (gnomAD); This variant is associated with the following publications: (PMID: 31983221)

Fulgent Genetics
Classification: Uncertain significance for Tibial muscular dystrophy; Myopathy, myofibrillar, 9, with early respiratory failure; Dilated cardiomyopathy 1G; Autosomal recessive limb-girdle muscular dystrophy type 2J; Early-onset myopathy with fatal cardiomyopathy; Hypertrophic cardiomyopathy 9. Last evaluated: 2021-09-09. Review status: criteria provided, single submitter. Criteria: ACMG Guidelines, 2015. Collection method: clinical testing. Allele origin: unknown.

Labcorp Genetics (formerly Invitae), Labcorp
Classification: Uncertain significance for Dilated cardiomyopathy 1G; Autosomal recessive limb-girdle muscular dystrophy type 2J. Last evaluated: 2017-06-07. Review status: criteria provided, single submitter. Criteria: Invitae Variant Classification Sherloc (09022015). Collection method: clinical testing. Allele origin: germline.
Comment: This sequence change replaces aspartic acid with glutamic acid at codon 34035 of the TTN protein (p.Asp34035Glu). There is a small physicochemical difference between aspartic acid and glutamic acid. This variant is present in population databases (rs370647845, ExAC 0.003%) but has not been reported in the literature in individuals with a TTN-related disease. Algorithms developed to predict the effect of missense changes on protein structure and function are unavailable for the TTN gene. Algorithms developed to predict the effect of sequence changes on RNA splicing suggest that this variant may alter RNA splicing, but this prediction has not been confirmed by published transcriptional studies. In summary, this variant is a rare missense change with unknown impact on protein function. Missense variants in this region of the TTN gene are typically not causative for cardiac disease, but may be relevant for neuromuscular disorders. However, the available evidence is currently insufficient to determine this variant'¬Ä¬ôs role in disease. Therefore, it has been classified as a Variant of Uncertain Significance